The following is an entry in ClinVar:

NM_018474.6(KIZ):c.257G>A (p.Arg86His)

Genes: KIZ (kizuna centrosomal protein; plus strand), LOC130065509 (ATAC-STARR-seq lymphoblastoid active region 17619; plus strand). Cytogenetic location: 20p11.23.
Variant type: single nucleotide variant.
Coding change: c.257G>A on transcript NM_018474.6 (MANE Select); coding-DNA position 257, G replaced by A.
Protein change: p.Arg86His; replaces arginine 86 with histidine.
Molecular consequence: missense variant. On other transcripts: 5 prime UTR variant (1), intron variant (4).
Genome position (GRCh38, 1-based): chr20:21,136,494, G>A. VCF-style: chr20-21136494-G-A. GRCh37 (hg19) VCF-style: chr20-21117135-G-A.
Other names: c.257G>A (NM_018474.5); c.257G>A, p.Arg86His (NM_001352434.2); c.-130G>A (NM_001352436.2); c.169-9071G>A (NM_001276389.2); c.6+4335G>A (NM_001163022.3, NM_001352435.2, NM_001163023.3); short protein forms R86H.
Identifiers: ClinVar variation 836155 (VCV000836155.11), dbSNP rs373803095, ClinGen allele CA9784605.

ClinVar aggregate classification (germline): Conflicting classifications of pathogenicity. Review status: criteria provided, conflicting classifications (1 of 4 stars). 5 submissions from 5 submitters: Uncertain significance (2); Benign (1); Likely benign (2). Last evaluated 2024-11-11.

Conditions:
KIZ-related disorder. Also called: KIZ-related condition.

Allele frequency attached by ClinVar (database versions not stated): ESP Exome Variant Server 0.00025; 1000 Genomes Project 30x 0.00031; 1000 Genomes Project 0.00040; TOPMed 0.00044.
gnomAD v4.1: 183 of 1,600,844 alleles (0.011%); highest among the groups gnomAD compares: African/African-American, 0.16%; 1 homozygote.

Submissions (5):

Labcorp Genetics (formerly Invitae), Labcorp
Classification: Uncertain significance. Last evaluated: 2024-11-11. Review status: criteria provided, single submitter. Criteria: Invitae Variant Classification Sherloc (09022015). Collection method: clinical testing. Allele origin: germline.
Comment: This sequence change replaces arginine, which is basic and polar, with histidine, which is basic and polar, at codon 86 of the KIZ protein (p.Arg86His). This variant is present in population databases (rs373803095, gnomAD 0.2%). This variant has not been reported in the literature in individuals affected with KIZ-related conditions. ClinVar contains an entry for this variant (Variation ID: 836155). Experimental studies and prediction algorithms are not available or were not evaluated, and the functional significance of this variant is currently unknown. In summary, the available evidence is currently insufficient to determine the role of this variant in disease. Therefore, it has been classified as a Variant of Uncertain Significance.

PreventionGenetics, part of Exact Sciences
Classification: Likely benign for KIZ-related condition. Last evaluated: 2024-10-15. Review status: criteria provided, single submitter. Criteria: ACMG Guidelines, 2015. Collection method: clinical testing. Allele origin: germline.
Comment: This variant is classified as likely benign based on ACMG/AMP sequence variant interpretation guidelines (Richards et al. 2015 PMID: 25741868, with internal and published modifications).

Blueprint Genetics
Classification: Benign. Last evaluated: 2023-12-08. Review status: criteria provided, single submitter. Criteria: ACMG Guidelines, 2015. Collection method: clinical testing. Allele origin: germline.

Ambry Genetics
Classification: Likely benign. Last evaluated: 2021-08-02. Review status: criteria provided, single submitter. Criteria: Ambry Variant Classification Scheme 2023. Collection method: clinical testing. Allele origin: germline.

Breakthrough Genomics
Classification: Uncertain significance. Review status: criteria provided, single submitter. Criteria: ACMG Guidelines, 2015. Collection method: not provided. Allele origin: germline. Inheritance: Autosomal dominant inheritance. Affected: yes.